The following is an entry in ClinVar:

ClinVar aggregate classification (germline): Uncertain significance (1 of 4 stars; one submission).

Allele frequency attached by ClinVar (database versions not stated): TOPMed below 0.00001; ExAC 0.00001; gnomAD exomes 0.00001 and 0.00003.
gnomAD v4.1: 15 of 1,614,072 alleles (0.00093%); highest among the groups gnomAD compares: Admixed American, 0.0067%; no homozygotes.

Submission:

Labcorp Genetics (formerly Invitae), Labcorp
Classification: Uncertain significance. Last evaluated: 2025-07-10. Review status: criteria provided, single submitter. Criteria: Invitae Variant Classification Sherloc (09022015). Collection method: clinical testing. Allele origin: germline.
Comment: This sequence change replaces threonine, which is neutral and polar, with isoleucine, which is neutral and non-polar, at codon 1043 of the KANK1 protein (p.Thr1043Ile). This variant is present in population databases (rs752724395, gnomAD 0.009%). This variant has not been reported in the literature in individuals affected with KANK1-related conditions. ClinVar contains an entry for this variant (Variation ID: 1466760). An algorithm developed to predict the effect of missense changes on protein structure and function outputs the following: PolyPhen-2: "Benign". The isoleucine amino acid residue is found in multiple mammalian species, which suggests that this missense change does not adversely affect protein function. In summary, the available evidence is currently insufficient to determine the role of this variant in disease. Therefore, it has been classified as a Variant of Uncertain Significance.

NM_015158.5(KANK1):c.3128C>T (p.Thr1043Ile)

Gene: KANK1 (KN motif and ankyrin repeat domains 1; plus strand). Cytogenetic location: 9p24.3.
Variant type: single nucleotide variant.
Coding change: c.3128C>T on transcript NM_015158.5 (MANE Select); coding-DNA position 3128, C replaced by T.
Protein change: p.Thr1043Ile; replaces threonine 1043 with isoleucine.
Molecular consequence: missense variant. On other transcripts: intron variant (5).
Genome position (GRCh38, 1-based): chr9:732,500, C>T. VCF-style: chr9-732500-C-T. GRCh37 (hg19) VCF-style: chr9-732500-C-T.
Other names: c.3128C>T, p.Thr1043Ile (NM_001256876.3, NM_001256877.3, NM_001354334.2); c.3074C>T, p.Thr1025Ile (NM_001354332.2); c.2654C>T, p.Thr885Ile (NM_001354333.2, NM_001354335.2, NM_001354337.2 and 2 more transcripts); c.2600C>T, p.Thr867Ile (NM_001354338.2, NM_001354340.2, NM_001354344.2); c.3005+1234C>T (NM_001354331.2); c.2477+1234C>T (NM_001354336.2); c.2531+1234C>T (NM_001354339.2, NM_001354343.2, NM_001354342.2); short protein forms T1043I, T885I, T1025I, T867I.
Identifiers: ClinVar variation 1466760 (VCV001466760.6), dbSNP rs752724395, ClinGen allele CA4960785.